The following is an entry in ClinVar:

NM_000136.3(FANCC):c.101C>G (p.Thr34Ser)

Gene: FANCC (FA complementation group C; minus strand). Cytogenetic location: 9q22.32.
Variant type: single nucleotide variant.
Coding change: c.101C>G on transcript NM_000136.3 (MANE Select); coding-DNA position 101, C replaced by G.
Protein change: p.Thr34Ser; replaces threonine 34 with serine.
Molecular consequence: missense variant.
Genome position (GRCh38, 1-based): chr9:95,249,191, G>C on the plus strand (C>G on the coding strand, the complement: FANCC is on the minus strand). VCF-style: chr9-95249191-G-C. GRCh37 (hg19) VCF-style: chr9-98011473-G-C.
Other names: c.101C>G, p.Thr34Ser (NM_001243743.2, NM_001243744.2); short protein forms T34S.
Identifiers: ClinVar variation 4826735 (VCV004826735.1).
Genomic context (GRCh38, chr9:95,249,191, plus strand): 5'-TCTTTCAAGGCTTCATACATCTTCCTTAGGAACTCCTGGAACTGAGCCACGTGAAGACAG[G>C]TGTCTTGCTGGGTTTCCAAAGTGGAAGCCTGATCCCATACAGAAAGCTTCTGCATCCAAA-3'
Protein context (NP_000127.2, residues 24-44): QASTLETQQD[Thr34Ser]CLHVAQFQEF

ClinVar aggregate classification (germline): Uncertain significance (1 of 4 stars; one submission).

Conditions:
Hereditary cancer-predisposing syndrome. Also called: Neoplastic Syndromes, Hereditary; Tumor predisposition; Hereditary Cancer Syndrome; Hereditary neoplastic syndrome. Identifiers: Orphanet 140162, MedGen C0027672, MeSH D009386, MONDO:0015356.

gnomAD v4.1: 1 of 1,614,130 alleles (0.000062%); highest among the groups gnomAD compares: Non-Finnish European, 0.000085%; no homozygotes.

Submission:

Ambry Genetics
Classification: Uncertain significance for Hereditary cancer-predisposing syndrome. Last evaluated: 2026-03-06. Review status: criteria provided, single submitter. Criteria: Ambry Variant Classification Scheme 2023. Collection method: clinical testing. Allele origin: germline.
Comment: The p.T34S variant (also known as c.101C>G), located in coding exon 1 of the FANCC gene, results from a C to G substitution at nucleotide position 101. The threonine at codon 34 is replaced by serine, an amino acid with similar properties. This amino acid position is conserved. In addition, this alteration is predicted to be tolerated by in silico analysis. Based on the available evidence, the clinical significance of this variant remains unclear.